The following is an entry in ClinVar:

NM_001792.5(CDH2):c.750del (p.Ile251fs)

Gene: CDH2 (cadherin 2; minus strand). Cytogenetic location: 18q12.1.
Variant type: Deletion.
Coding change: c.750del on transcript NM_001792.5 (MANE Select); coding-DNA position 750, one base deleted (C; older notation c.750delC).
Protein change: p.Ile251fs; shifts the reading frame from isoleucine 251.
Molecular consequence: frameshift variant.
Genome position (GRCh38, 1-based): chr18:28,005,946, G deleted on the plus strand (C on the coding strand, the reverse complement: CDH2 is on the minus strand); the first of 4 consecutive G bases (chr18:28,005,946-28,005,949); deleting any one gives the same sequence. VCF-style (leftmost placement, unchanged base first): chr18-28005945-TG-T. GRCh37 (hg19) VCF-style: chr18-25585909-TG-T.
Other names: c.657del, p.Ile220fs (NM_001308176.2); short protein forms I220fs, I251fs.
Identifiers: ClinVar variation 1996519 (VCV001996519.4), dbSNP rs2510810970, ClinGen allele CA2580095683.

ClinVar aggregate classification (germline): Uncertain significance (1 of 4 stars; one submission).

Submission:

Labcorp Genetics (formerly Invitae), Labcorp
Classification: Uncertain significance. Last evaluated: 2021-11-26. Review status: criteria provided, single submitter. Criteria: Invitae Variant Classification Sherloc (09022015). Collection method: clinical testing. Allele origin: germline.
Comment: This sequence change creates a premature translational stop signal (p.Ile251Leufs*10) in the CDH2 gene. It is expected to result in an absent or disrupted protein product. However, the current clinical and genetic evidence is not sufficient to establish whether loss-of-function variants in CDH2 cause disease. This variant is not present in population databases (gnomAD no frequency). This variant has not been reported in the literature in individuals affected with CDH2-related conditions. In summary, the available evidence is currently insufficient to determine the role of this variant in disease. Therefore, it has been classified as a Variant of Uncertain Significance.